The following is an entry in ClinVar:

ClinVar aggregate classification (germline): Likely benign. Review status: criteria provided, multiple submitters, no conflicts (2 of 4 stars). 3 submissions from 3 submitters: Likely benign (2). 1 of the submissions does not count toward it. Last evaluated 2026-06-01.

Conditions:
TENM4-related disorder. Also called: TENM4-related condition.

Allele frequency attached by ClinVar (database versions not stated): 1000 Genomes Project 30x 0.00094; 1000 Genomes Project 0.00100; TOPMed 0.00123; ESP Exome Variant Server 0.00148; gnomAD exomes 0.00172; gnomAD 0.00245; ExAC 0.00254.
gnomAD v4.1: 2,857 of 1,612,486 alleles (0.18%); highest among the groups gnomAD compares: Non-Finnish European, 0.16%; 15 homozygotes.

Submissions (3):

CeGaT Center for Human Genetics Tuebingen
Classification: Likely benign. Last evaluated: 2026-06-01. Review status: criteria provided, single submitter. Criteria: CeGaT Center For Human Genetics Tuebingen Variant Classification Criteria Version 2. Collection method: clinical testing. Allele origin: germline. Affected: yes. Observed: 12 variant alleles.
Comment: TENM4: BP4, BP7

Blueprint Genetics
Classification: Likely benign. Last evaluated: 2024-11-26. Review status: criteria provided, single submitter. Criteria: ACMG Guidelines, 2015. Collection method: clinical testing. Allele origin: germline.

PreventionGenetics, part of Exact Sciences
Classification: Likely benign for TENM4-related condition. Last evaluated: 2024-01-22. Review status: no assertion criteria provided. Collection method: clinical testing. Allele origin: germline. Not counted in ClinVar's aggregate classification.
Comment: This variant is classified as likely benign based on ACMG/AMP sequence variant interpretation guidelines (Richards et al. 2015 PMID: 25741868, with internal and published modifications).

NM_001098816.3(TENM4):c.7146C>T (p.Tyr2382=)

Gene: TENM4 (teneurin transmembrane protein 4; minus strand). Cytogenetic location: 11q14.1.
Variant type: single nucleotide variant.
Coding change: c.7146C>T on transcript NM_001098816.3 (MANE Select); coding-DNA position 7146, C replaced by T.
Protein change: p.Tyr2382=; no amino-acid change (tyrosine 2382 retained).
Molecular consequence: synonymous variant.
Genome position (GRCh38, 1-based): chr11:78,669,199, G>A on the plus strand (C>T on the coding strand, the complement: TENM4 is on the minus strand). VCF-style: chr11-78669199-G-A. GRCh37 (hg19) VCF-style: chr11-78380244-G-A.
Other names: c.7146C>T (NM_001098816.2).
Identifiers: ClinVar variation 2642209 (VCV002642209.26), dbSNP rs189655072, ClinGen allele CA6206296.